The following is an entry in ClinVar:

NM_001289808.2(CRYAB):c.167G>A (p.Arg56Gln)

Gene: CRYAB (crystallin alpha B; minus strand). Cytogenetic location: 11q23.1.
Variant type: single nucleotide variant.
Coding change: c.167G>A on transcript NM_001289808.2 (MANE Select); coding-DNA position 167, G replaced by A.
Protein change: p.Arg56Gln; replaces arginine 56 with glutamine.
Molecular consequence: missense variant.
Genome position (GRCh38, 1-based): chr11:111,911,558, C>T on the plus strand (G>A on the coding strand, the complement: CRYAB is on the minus strand). VCF-style: chr11-111911558-C-T. GRCh37 (hg19) VCF-style: chr11-111782282-C-T.
Other names: c.167G>A, p.Arg56Gln (NM_001289807.1, NM_001368245.1, NM_001885.3); short protein forms R56Q.
Identifiers: ClinVar variation 452932 (VCV000452932.5), dbSNP rs781986102, ClinGen allele CA6275562.
Genomic context (GRCh38, chr11:111,911,558, plus strand): 5'-CCCGTCCTAGCTGTGGGGAGACTCACCTCTGAGAGTCCAGTGTCAAACCAGCTGGGTGCC[C>T]GCAGGAAGGAGGGTGGCCGAAGGTAGAAGGGACTCAGGGAAGTAGACGTCGGGAAAAGAT-3'
Protein context (NP_001276737.1, residues 46-66): PFYLRPPSFL[Arg56Gln]APSWFDTGLS

ClinVar aggregate classification (germline): Uncertain significance. Review status: criteria provided, multiple submitters, no conflicts (2 of 4 stars). 3 submissions from 3 submitters: Uncertain significance (3). Last evaluated 2025-11-09.

Conditions:
Dilated cardiomyopathy 1II (CMD1II). Identifiers: Orphanet 154, MedGen C3554649, MONDO:0014073, OMIM 615184.
Cardiovascular phenotype. Identifiers: MedGen CN230736.

Allele frequency attached by ClinVar (database versions not stated): ExAC 0.00001; gnomAD 0.00001; TOPMed 0.00002.
gnomAD v4.1: 4 of 1,612,576 alleles (0.00025%); highest among the groups gnomAD compares: Admixed American, 0.0017%; no homozygotes.

Submissions (3):

Labcorp Genetics (formerly Invitae), Labcorp
Classification: Uncertain significance for Dilated cardiomyopathy 1II. Last evaluated: 2025-11-09. Review status: criteria provided, single submitter. Criteria: Invitae Variant Classification Sherloc (09022015). Collection method: clinical testing. Allele origin: germline.
Comment: This sequence change replaces arginine, which is basic and polar, with glutamine, which is neutral and polar, at codon 56 of the CRYAB protein (p.Arg56Gln). The frequency data for this variant in the population databases is considered unreliable, as metrics indicate poor data quality at this position in the gnomAD database. This variant has not been reported in the literature in individuals affected with CRYAB-related conditions. ClinVar contains an entry for this variant (Variation ID: 452932). An algorithm developed to predict the effect of missense changes on protein structure and function (PolyPhen-2) suggests that this variant is likely to be disruptive. This variant disrupts the p.Arg56 amino acid residue in CRYAB. Other variant(s) that disrupt this residue have been determined to be pathogenic (PMID: 19461931, 20141356). This suggests that this residue is clinically significant, and that variants that disrupt this residue are likely to be disease-causing. In summary, the available evidence is currently insufficient to determine the role of this variant in disease. Therefore, it has been classified as a Variant of Uncertain Significance.

Ambry Genetics
Classification: Uncertain significance for Cardiovascular phenotype. Last evaluated: 2025-04-10. Review status: criteria provided, single submitter. Criteria: Ambry Variant Classification Scheme 2023. Collection method: clinical testing. Allele origin: germline.
Comment: The p.R56Q variant (also known as c.167G>A), located in coding exon 1 of the CRYAB gene, results from a G to A substitution at nucleotide position 167. The arginine at codon 56 is replaced by glutamine, an amino acid with highly similar properties. This amino acid position is conserved. In addition, the in silico prediction for this alteration is inconclusive. Based on the available evidence, the clinical significance of this variant remains unclear.

GeneDx
Classification: Uncertain significance. Last evaluated: 2017-10-18. Review status: criteria provided, single submitter. Criteria: GeneDx Variant Classification (06012015). Collection method: clinical testing. Allele origin: germline. Affected: yes.
Comment: The R56Q variant in the CRYAB gene has not been reported previously as a pathogenic variant, nor as a benign variant, to our knowledge. The R56Q variant is not observed in large population cohorts (Lek et al., 2016). The R56Q variant is a semi-conservative amino acid substitution, which may impact secondary protein structure as these residues differ in some properties. This substitution occurs at a position that is conserved in mammals. In silico analysis is inconsistent in its predictions as to whether or not the variant is damaging to the protein structure/function. A missense variant in the same residue (R56W) has been reported in association with autosomal recessive CRYAB-related disorder, supporting the functional importance of this region of the protein (Safieh et al., 2009). We interpret R56Q as a variant of uncertain significance.

Literature cited by the submitters: PubMed 19461931 (cited by Labcorp Genetics (formerly Invitae), Labcorp); PubMed 20141356 (cited by Labcorp Genetics (formerly Invitae), Labcorp).